The following is an entry in ClinVar:

NM_016277.5(RAB23):c.629A>G (p.Asn210Ser)

Gene: RAB23 (RAB23, member RAS oncogene family; minus strand). Cytogenetic location: 6p12.1.
Variant type: single nucleotide variant.
Coding change: c.629A>G on transcript NM_016277.5 (MANE Select); coding-DNA position 629, A replaced by G.
Protein change: p.Asn210Ser; replaces asparagine 210 with serine.
Molecular consequence: missense variant. On other transcripts: non-coding transcript variant (1).
Genome position (GRCh38, 1-based): chr6:57,190,546, T>C on the plus strand (A>G on the coding strand, the complement: RAB23 is on the minus strand). VCF-style: chr6-57190546-T-C. GRCh37 (hg19) VCF-style: chr6-57055344-T-C.
Other names: c.629A>G, p.Asn210Ser (NM_001278666.2, NM_001278667.2, NM_001278668.2 and 1 more transcripts); short protein forms N210S.
Identifiers: ClinVar variation 4988699 (VCV004988699.1).

ClinVar aggregate classification (germline): Uncertain significance (1 of 4 stars; one submission).

Conditions:
RAB23-related disorder. Also called: RAB23-related condition.

gnomAD v4.1: 12 of 1,613,810 alleles (0.00074%); highest among the groups gnomAD compares: South Asian, 0.0011%; no homozygotes.

Submission:

PreventionGenetics, part of Exact Sciences
Classification: Uncertain significance for RAB23-related condition. Last evaluated: 2024-12-02. Review status: criteria provided, single submitter. Criteria: ACMG Guidelines, 2015. Collection method: clinical testing. Allele origin: germline.
Comment: The RAB23 c.629A>G variant is predicted to result in the amino acid substitution p.Asn210Ser. To our knowledge, this variant has not been reported in the literature or in a large population database (gnomAD), indicating this variant is rare. At this time, the clinical significance of this variant is uncertain due to the absence of conclusive functional and genetic evidence.